The following is an entry in ClinVar:

NM_000642.3(AGL):c.94C>T (p.Gln32Ter)

Gene: AGL (amylo-alpha-1,6-glucosidase and 4-alpha-glucanotransferase; plus strand). Cytogenetic location: 1p21.2.
Variant type: single nucleotide variant.
Coding change: c.94C>T on transcript NM_000642.3 (MANE Select); coding-DNA position 94, C replaced by T.
Protein change: p.Gln32Ter; replaces glutamine 32 with a stop codon.
Molecular consequence: nonsense.
Genome position (GRCh38, 1-based): chr1:99,861,514, C>T. VCF-style: chr1-99861514-C-T. GRCh37 (hg19) VCF-style: chr1-100327070-C-T.
Other names: c.94C>T, p.Gln32Ter (NM_000028.3, NM_000643.3, NM_000644.3 and 5 more transcripts); c.46C>T, p.Gln16Ter (NM_000646.3); short protein forms Q32*, Q16*.
Identifiers: ClinVar variation 188818 (VCV000188818.18), dbSNP rs786204489, ClinGen allele CA273996.
Genomic context (GRCh38, chr1:99,861,514, plus strand): 5'-GGTAATTTAAGTCCTACGATGAGTTTATTAACATGTGCTTTTTATTTAGGGTATGAGCTA[C>T]AGTTCCGATTAGGCCCAACTTTACAGGGAAAAGCAGTTACCGTGTATACAAATTACCCAT-3'

ClinVar aggregate classification (germline): Pathogenic/Likely pathogenic. Review status: criteria provided, multiple submitters, no conflicts (2 of 4 stars). 7 submissions from 7 submitters: Pathogenic (4); Likely pathogenic (2). 1 of the submissions does not count toward it. Last evaluated 2025-12-17.

Conditions:
Glycogen storage disease type III (GSD3). Also called: FORBES DISEASE; Cori disease. Identifiers: Orphanet 366, MedGen C0017922, MONDO:0009291, OMIM 232400.

Allele frequency attached by ClinVar (database versions not stated): gnomAD exomes below 0.00001; gnomAD 0.00001; TOPMed 0.00003.
gnomAD v4.1: 5 of 1,613,738 alleles (0.00031%); highest among the groups gnomAD compares: African/African-American, 0.0053%; no homozygotes.

Submissions (7):

Labcorp Genetics (formerly Invitae), Labcorp
Classification: Pathogenic for Glycogen storage disease type III. Last evaluated: 2025-12-17. Review status: criteria provided, single submitter. Criteria: Invitae Variant Classification Sherloc (09022015). Collection method: clinical testing. Allele origin: germline.
Comment: This sequence change creates a premature translational stop signal (p.Gln32*) in the AGL gene. It is expected to result in an absent or disrupted protein product. Loss-of-function variants in AGL are known to be pathogenic (PMID: 19299494). This variant is present in population databases (rs786204489, gnomAD 0.008%). This premature translational stop signal has been observed in individual(s) with glycogen storage disease III (PMID: 10655153). ClinVar contains an entry for this variant (Variation ID: 188818). For these reasons, this variant has been classified as Pathogenic.

Natera, Inc.
Classification: Likely pathogenic for Glycogen storage disease type III. Last evaluated: 2025-11-06. Review status: criteria provided, single submitter. Criteria: Natera Variant Classification Schema (03/2026). Collection method: clinical testing. Allele origin: germline.
Comment: The c.94C>T variant in AGL is a nonsense variant predicted to introduce a stop codon at amino acid 32. This variant is expected to result in nonsense mediated decay, truncation, or a dysfunctional protein product. This variant is rare in the general population with a frequency below the threshold expected for the associated phenotype(s). Given the available evidence, this variant is classified as Likely Pathogenic.

ARUP Laboratories, Molecular Genetics and Genomics, ARUP Laboratories
Classification: Pathogenic. Last evaluated: 2025-05-20. Review status: criteria provided, single submitter. Criteria: ARUP Molecular Germline Variant Investigation Process 2024. Collection method: clinical testing. Allele origin: germline.
Comment: The AGL c.94C>T; p.Gln32Ter variant (rs786204489, ClinVar Variation ID: 188818) is reported in the literature in a glycogen storage disease III cohort (Shaiu 2000). This variant is only observed on two alleles in the Genome Aggregation Database (v2.1.1), indicating it is not a common polymorphism. This variant induces an early termination codon and is predicted to result in a truncated protein or mRNA subject to nonsense-mediated decay. Based on available information, this variant is considered to be pathogenic. References: Shaiu WL et al. Genotype-phenotype correlation in two frequent mutations and mutation update in type III glycogen storage disease. Mol Genet Metab. 2000 Jan;69(1):16-23. PMID: 10655153.

Baylor Genetics
Classification: Pathogenic for Glycogen storage disease type III. Last evaluated: 2023-09-14. Review status: criteria provided, single submitter. Criteria: ACMG Guidelines, 2015. Collection method: clinical testing. Allele origin: unknown.

Genome-Nilou Lab
Classification: Pathogenic for Glycogen storage disease type III. Last evaluated: 2021-07-15. Review status: criteria provided, single submitter. Criteria: ACMG Guidelines, 2015. Collection method: clinical testing. Allele origin: germline. Affected: no.

Women's Health and Genetics/Laboratory Corporation of America, LabCorp
Classification: Likely pathogenic for Glycogen storage disease type III. Last evaluated: 2021-03-31. Review status: criteria provided, single submitter. Criteria: LabCorp Variant Classification Summary - May 2015. Collection method: clinical testing. Allele origin: germline.
Comment: Variant summary: AGL c.94C>T (p.Gln32X) results in a premature termination codon, predicted to cause a truncation of the encoded protein or absence of the protein due to nonsense mediated decay, which are commonly known mechanisms for disease. The variant allele was found at a frequency of 4e-06 in 251228 control chromosomes (gnomAD). c.94C>T has been reported in the literature in at least an individual affected with Glycogen Storage Disease Type III (example: Shaiu_2000). To our knowledge, no experimental evidence demonstrating an impact on protein function has been reported. No clinical diagnostic laboratories have submitted clinical-significance assessments for this variant to ClinVar after 2014. Based on the evidence outlined above, the variant was classified as likely pathogenic.

Counsyl
Classification: Likely pathogenic for Glycogen storage disease type III. Last evaluated: 2014-06-05. Review status: no assertion criteria provided. Collection method: literature only. Allele origin: unknown. Inheritance: Autosomal recessive inheritance. Not counted in ClinVar's aggregate classification.

Literature cited by the submitters: PubMed 19299494 (cited by Labcorp Genetics (formerly Invitae), Labcorp); PubMed 10655153 (cited by 3 submitters); PubMed 11977176 (cited by Counsyl); PubMed 11949933 (cited by Counsyl).